The following is an entry in ClinVar:

NM_021815.5(SLC5A7):c.1119G>A (p.Ser373=)

Gene: SLC5A7 (solute carrier family 5 member 7; plus strand). Cytogenetic location: 2q12.3.
Variant type: single nucleotide variant.
Coding change: c.1119G>A on transcript NM_021815.5 (MANE Select); coding-DNA position 1119, G replaced by A.
Protein change: p.Ser373=; no amino-acid change (serine 373 retained).
Molecular consequence: synonymous variant.
Genome position (GRCh38, 1-based): chr2:108,010,237, G>A. VCF-style: chr2-108010237-G-A. GRCh37 (hg19) VCF-style: chr2-108626693-G-A.
Other names: c.1119G>A, p.Ser373= (NM_001305005.3); c.804G>A, p.Ser268= (NM_001305006.3); c.378G>A, p.Ser126= (NM_001305007.3); c.1119G>A (NM_021815.4).
Identifiers: ClinVar variation 464170 (VCV000464170.46), dbSNP rs759819899, ClinGen allele CA1819135.

ClinVar aggregate classification (germline): Likely benign. Review status: criteria provided, multiple submitters, no conflicts (2 of 4 stars). 4 submissions from 4 submitters: Likely benign (4). Last evaluated 2025-12-24.

Conditions:
Congenital myasthenic syndrome 20. Also called: Myasthenic syndrome, congenital, 20, presynaptic. Identifiers: MedGen C4310694, MONDO:0014939, OMIM 617143.
Neuronopathy, distal hereditary motor, type 7A. Also called: NEURONOPATHY, DISTAL HEREDITARY MOTOR, HARDING TYPE VIIA; NEUROPATHY, DISTAL HEREDITARY MOTOR, HARDING TYPE VIIA; Neuronopathy, distal hereditary motor, autosomal dominant 7; Neuronopathy, distal hereditary motor, type viia; HARPER-YOUNG MYOPATHY; HMN VIIA. Identifiers: Orphanet 139589, MedGen C1834703, MONDO:0008024, OMIM 158580.
SLC5A7-related disorder. Also called: SLC5A7-related condition.

Allele frequency attached by ClinVar (database versions not stated): gnomAD 0.00004 and 0.00003; TOPMed 0.00006; gnomAD exomes 0.00012; ExAC 0.00016.
gnomAD v4.1: 88 of 1,611,778 alleles (0.0055%); highest among the groups gnomAD compares: Admixed American, 0.033%; no homozygotes.

Submissions (4):

Women's Health and Genetics/Laboratory Corporation of America, LabCorp
Classification: Likely benign. Last evaluated: 2025-12-24. Review status: criteria provided, single submitter. Criteria: LabCorp Variant Classification Summary - May 2015. Collection method: clinical testing. Allele origin: germline.

Labcorp Genetics (formerly Invitae), Labcorp
Classification: Likely benign for Neuronopathy, distal hereditary motor, type 7A; Congenital myasthenic syndrome 20. Last evaluated: 2025-10-07. Review status: criteria provided, single submitter. Criteria: Invitae Variant Classification Sherloc (09022015). Collection method: clinical testing. Allele origin: germline.

PreventionGenetics, part of Exact Sciences
Classification: Likely benign for SLC5A7-related condition. Last evaluated: 2025-09-29. Review status: criteria provided, single submitter. Criteria: ACMG Guidelines, 2015. Collection method: clinical testing. Allele origin: germline.
Comment: This variant is classified as likely benign based on ACMG/AMP sequence variant interpretation guidelines (Richards et al. 2015 PMID: 25741868, with internal and published modifications).

CeGaT Center for Human Genetics Tuebingen
Classification: Likely benign. Last evaluated: 2021-12-01. Review status: criteria provided, single submitter. Criteria: CeGaT Center For Human Genetics Tuebingen Variant Classification Criteria Version 2. Collection method: clinical testing. Allele origin: germline. Affected: yes. Observed: 1 variant allele.